The following is an entry in ClinVar:

ClinVar aggregate classification (germline): Conflicting classifications of pathogenicity. Review status: criteria provided, conflicting classifications (1 of 4 stars). 2 submissions from 2 submitters: Uncertain significance (1); Benign (1). Last evaluated 2025-12-11.

Conditions:
Cardiovascular phenotype. Identifiers: MedGen CN230736.
Noonan syndrome 9 (NS9). Identifiers: Orphanet 648, MedGen C4225282, MONDO:0014691, OMIM 616559.

gnomAD v4.1: 4 of 1,612,782 alleles (0.00025%); highest among the groups gnomAD compares: African/African-American, 0.0053%; no homozygotes.

Submissions (2):

Ambry Genetics
Classification: Uncertain significance for Cardiovascular phenotype. Last evaluated: 2025-12-11. Review status: criteria provided, single submitter. Criteria: Ambry Variant Classification Scheme 2023. Collection method: clinical testing. Allele origin: germline.
Comment: The p.S669R variant (also known as c.2007T>A), located in coding exon 12 of the SOS2 gene, results from a T to A substitution at nucleotide position 2007. The serine at codon 669 is replaced by arginine, an amino acid with dissimilar properties. This amino acid position is conserved. In addition, this alteration is predicted to be tolerated by in silico analysis. Based on the available evidence, the clinical significance of this variant remains unclear.

Labcorp Genetics (formerly Invitae), Labcorp
Classification: Benign for Noonan syndrome 9. Last evaluated: 2025-02-12. Review status: criteria provided, single submitter. Criteria: Invitae Variant Classification Sherloc (09022015). Collection method: clinical testing. Allele origin: germline.

NM_006939.4(SOS2):c.2007T>A (p.Ser669Arg)

Gene: SOS2 (SOS Ras/Rho guanine nucleotide exchange factor 2; minus strand). Cytogenetic location: 14q21.3.
Variant type: single nucleotide variant.
Coding change: c.2007T>A on transcript NM_006939.4 (MANE Select); coding-DNA position 2007, T replaced by A.
Protein change: p.Ser669Arg; replaces serine 669 with arginine.
Molecular consequence: missense variant.
Genome position (GRCh38, 1-based): chr14:50,157,049, A>T on the plus strand (T>A on the coding strand, the complement: SOS2 is on the minus strand). VCF-style: chr14-50157049-A-T. GRCh37 (hg19) VCF-style: chr14-50623767-A-T.
Other names: c.2007T>A (NM_006939.2); c.1908T>A, p.Ser636Arg (NM_001411020.1); short protein forms S636R, S669R.
Identifiers: ClinVar variation 3624564 (VCV003624564.3).